The following is an entry in ClinVar:

NM_004991.4(MECOM):c.3448A>G (p.Ile1150Val)

Gene: MECOM (MDS1 and EVI1 complex locus; minus strand). Cytogenetic location: 3q26.2.
Variant type: single nucleotide variant.
Coding change: c.3448A>G on transcript NM_004991.4 (MANE Select); coding-DNA position 3448, A replaced by G.
Protein change: p.Ile1150Val; replaces isoleucine 1150 with valine.
Molecular consequence: missense variant.
Genome position (GRCh38, 1-based): chr3:169,089,137, T>C on the plus strand (A>G on the coding strand, the complement: MECOM is on the minus strand). VCF-style: chr3-169089137-T-C. GRCh37 (hg19) VCF-style: chr3-168806925-T-C.
Other names: c.3448A>G (NM_004991.3); c.3079A>G, p.Ile1027Val (NM_001105077.4); c.2884A>G, p.Ile962Val (NM_001105078.4, NM_001205194.2, NM_001366469.2 and 1 more transcripts); c.2860A>G, p.Ile954Val (NM_001163999.2, NM_001366470.2); c.2857A>G, p.Ile953Val (NM_001164000.2, NM_001366471.2, NM_001366472.2); c.3421A>G, p.Ile1141Val (NM_001366466.2); c.2887A>G, p.Ile963Val (NM_001366467.2, NM_001366468.2); c.2449A>G, p.Ile817Val (NM_001366473.2); and 2 more; short protein forms I629V, I953V, I954V, I963V, I1027V, I1141V, I1150V, I817V.
Identifiers: ClinVar variation 2079139 (VCV002079139.25), dbSNP rs144085622, ClinGen allele CA2695893.

ClinVar aggregate classification (germline): Conflicting classifications of pathogenicity. Review status: criteria provided, conflicting classifications (1 of 4 stars). 5 submissions from 5 submitters: Uncertain significance (1); Benign (1); Likely benign (2). 1 of the submissions does not count toward it. Last evaluated 2025-12-16.

Conditions:
MECOM-related disorder. Also called: MECOM-related condition.
Inborn genetic diseases. Identifiers: MedGen C0950123, MeSH D030342.

Allele frequency attached by ClinVar (database versions not stated): gnomAD exomes 0.00007; ExAC 0.00019; 1000 Genomes Project 30x 0.00062; ESP Exome Variant Server 0.00062; gnomAD 0.00073; TOPMed 0.00074; 1000 Genomes Project 0.00080.
gnomAD v4.1: 222 of 1,599,020 alleles (0.014%); highest among the groups gnomAD compares: African/African-American, 0.26%; no homozygotes.

Submissions (5):

Labcorp Genetics (formerly Invitae), Labcorp
Classification: Likely benign. Last evaluated: 2025-12-16. Review status: criteria provided, single submitter. Criteria: Invitae Variant Classification Sherloc (09022015). Collection method: clinical testing. Allele origin: germline.

Ambry Genetics
Classification: Uncertain significance for Inborn genetic diseases. Last evaluated: 2025-03-09. Review status: criteria provided, single submitter. Criteria: Ambry Variant Classification Scheme 2023. Collection method: clinical testing. Allele origin: germline.

Blueprint Genetics
Classification: Likely benign. Last evaluated: 2024-11-13. Review status: criteria provided, single submitter. Criteria: ACMG Guidelines, 2015. Collection method: clinical testing. Allele origin: germline.

CeGaT Center for Human Genetics Tuebingen
Classification: Benign. Last evaluated: 2024-07-01. Review status: criteria provided, single submitter. Criteria: CeGaT Center For Human Genetics Tuebingen Variant Classification Criteria Version 2. Collection method: clinical testing. Allele origin: germline. Affected: yes. Observed: 1 variant allele.
Comment: MECOM: BS1, BS2

PreventionGenetics, part of Exact Sciences
Classification: Likely benign for MECOM-related condition. Last evaluated: 2019-07-23. Review status: no assertion criteria provided. Collection method: clinical testing. Allele origin: germline. Not counted in ClinVar's aggregate classification.
Comment: This variant is classified as likely benign based on ACMG/AMP sequence variant interpretation guidelines (Richards et al. 2015 PMID: 25741868, with internal and published modifications).